The following is an entry in ClinVar:

ClinVar aggregate classification (germline): Uncertain significance (1 of 4 stars; one submission).

gnomAD v4.1: 1 of 1,614,194 alleles (0.000062%); highest among the groups gnomAD compares: Non-Finnish European, 0.000085%; no homozygotes.

Submission:

GeneDx
Classification: Uncertain significance. Last evaluated: 2024-05-25. Review status: criteria provided, single submitter. Criteria: GeneDx Variant Classification Process June 2021. Collection method: clinical testing. Allele origin: germline. Affected: yes.
Comment: Not observed at significant frequency in large population cohorts (gnomAD); In silico analysis supports that this missense variant has a deleterious effect on protein structure/function; Has not been previously published as pathogenic or benign to our knowledge

NM_003900.5(SQSTM1):c.1203G>A (p.Met401Ile)

Gene: SQSTM1 (sequestosome 1; plus strand). Cytogenetic location: 5q35.3.
Variant type: single nucleotide variant.
Coding change: c.1203G>A on transcript NM_003900.5 (MANE Select); coding-DNA position 1203, G replaced by A.
Protein change: p.Met401Ile; replaces methionine 401 with isoleucine.
Molecular consequence: missense variant.
Genome position (GRCh38, 1-based): chr5:179,836,473, G>A. VCF-style: chr5-179836473-G-A. GRCh37 (hg19) VCF-style: chr5-179263473-G-A.
Other names: c.951G>A, p.Met317Ile (NM_001142298.2, NM_001142299.2); short protein forms M317I, M401I.
Identifiers: ClinVar variation 3381354 (VCV003381354.1).
Genomic context (GRCh38, chr5:179,836,473, plus strand): 5'-TGGCTTCCTTACTGTTTCGGCAGAGGCTGACCCGCGGCTGATTGAGTCCCTCTCCCAGAT[G>A]CTGTCCATGGGCTTCTCTGATGAAGGCGGCTGGCTCACCAGGCTCCTGCAGACCAAGAAC-3'
Protein context (NP_003891.1, residues 391-411): DPRLIESLSQ[Met401Ile]LSMGFSDEGG